The following is an entry in ClinVar:

NM_001036.6(RYR3):c.7855A>G (p.Thr2619Ala)

Gene: RYR3 (ryanodine receptor 3; plus strand). Cytogenetic location: 15q14.
Variant type: single nucleotide variant.
Coding change: c.7855A>G on transcript NM_001036.6 (MANE Select); coding-DNA position 7855, A replaced by G.
Protein change: p.Thr2619Ala; replaces threonine 2619 with alanine.
Molecular consequence: missense variant.
Genome position (GRCh38, 1-based): chr15:33,742,400, A>G. VCF-style: chr15-33742400-A-G. GRCh37 (hg19) VCF-style: chr15-34034601-A-G.
Other names: c.7855A>G, p.Thr2619Ala (NM_001243996.4); short protein forms T2619A.
Identifiers: ClinVar variation 992812 (VCV000992812.11), dbSNP rs201310633, ClinGen allele CA7460013.

ClinVar aggregate classification (germline): Uncertain significance. Review status: criteria provided, multiple submitters, no conflicts (2 of 4 stars). 2 submissions from 2 submitters: Uncertain significance (2). Last evaluated 2021-12-01.

Conditions:
Epileptic encephalopathy. Identifiers: MedGen C0543888, HP:0200134.
Congenital myopathy 20 (CMYO20). Identifiers: MedGen C5830393, MONDO:0957215, OMIM 620310.

Allele frequency attached by ClinVar (database versions not stated): gnomAD exomes below 0.00001; ExAC 0.00002; gnomAD 0.00004 and 0.00005; TOPMed 0.00017; 1000 Genomes Project 0.00040; 1000 Genomes Project 30x 0.00062.
gnomAD v4.1: 12 of 1,613,376 alleles (0.00074%); highest among the groups gnomAD compares: Admixed American, 0.017%; no homozygotes.

Submissions (2):

New York Genome Center
Classification: Uncertain significance for Congenital myopathy 20. Last evaluated: 2021-12-01. Review status: criteria provided, single submitter. Criteria: NYGC Assertion Criteria 2020. Collection method: clinical testing. Allele origin: inherited. Observed: 1 heterozygote. Study: CSER-NYCKidSeq.

Labcorp Genetics (formerly Invitae), Labcorp
Classification: Uncertain significance for Epileptic encephalopathy. Last evaluated: 2020-09-07. Review status: criteria provided, single submitter. Criteria: Invitae Variant Classification Sherloc (09022015). Collection method: clinical testing. Allele origin: germline.
Comment: This variant is present in population databases (rs201310633, ExAC 0.02%). This sequence change replaces threonine with alanine at codon 2619 of the RYR3 protein (p.Thr2619Ala). The threonine residue is moderately conserved and there is a small physicochemical difference between threonine and alanine. This variant has not been reported in the literature in individuals with RYR3-related disease. In summary, the available evidence is currently insufficient to determine the role of this variant in disease. Therefore, it has been classified as a Variant of Uncertain Significance. Algorithms developed to predict the effect of missense changes on protein structure and function do not agree on the potential impact of this missense change (SIFT: "Deleterious"; PolyPhen-2: "Benign"; Align-GVGD: "Class C0").